The following is an entry in ClinVar:

NM_020987.5(ANK3):c.5984A>C (p.Glu1995Ala)

Gene: ANK3 (ankyrin 3; minus strand). Cytogenetic location: 10q21.2.
Variant type: single nucleotide variant.
Coding change: c.5984A>C on transcript NM_020987.5 (MANE Select); coding-DNA position 5984, A replaced by C.
Protein change: p.Glu1995Ala; replaces glutamic acid 1995 with alanine.
Molecular consequence: missense variant. On other transcripts: intron variant (4).
Genome position (GRCh38, 1-based): chr10:60,074,897, T>G on the plus strand (A>C on the coding strand, the complement: ANK3 is on the minus strand). VCF-style: chr10-60074897-T-G. GRCh37 (hg19) VCF-style: chr10-61834655-T-G.
Other names: c.4387+5640A>C (NM_001204403.2); c.4408+5640A>C (NM_001204404.2); c.4405+5640A>C (NM_001320874.2); c.1807+5640A>C (NM_001149.4); short protein forms E1995A.
Identifiers: ClinVar variation 3367658 (VCV003367658.2).
Genomic context (GRCh38, chr10:60,074,897, plus strand): 5'-CTCTCTGGCAGAGATGGAGACTGGCTCGCAGCAGCTTGTTGTCTGGCTTCCCGGATTTCT[T>G]CCGAACTAAATTCTATCCAGTCATCTTCAGGAGAGTGTCCTTTGTCACTCTTTGGTGATT-3'
Protein context (NP_066267.2, residues 1985-2005): PEDDWIEFSS[Glu1995Ala]EIREARQQAA

ClinVar aggregate classification (germline): Uncertain significance (1 of 4 stars; one submission).

Submission:

GeneDx
Classification: Uncertain significance. Last evaluated: 2025-06-12. Review status: criteria provided, single submitter. Criteria: GeneDx Variant Classification Process June 2021. Collection method: clinical testing. Allele origin: germline.
Comment: Not observed at significant frequency in large population cohorts (gnomAD); In silico analysis suggests that this missense variant does not alter protein structure/function; Has not been previously published as pathogenic or benign to our knowledge